The following is an entry in ClinVar:

NM_003072.5(SMARCA4):c.3262A>T (p.Ile1088Phe)

Gene: SMARCA4 (SWI/SNF related BAF chromatin remodeling complex subunit ATPase 4; plus strand). Cytogenetic location: 19p13.2.
Variant type: single nucleotide variant.
Coding change: c.3262A>T on transcript NM_003072.5 (MANE Select); coding-DNA position 3262, A replaced by T.
Protein change: p.Ile1088Phe; replaces isoleucine 1088 with phenylalanine.
Molecular consequence: missense variant. On other transcripts: non-coding transcript variant (1).
Genome position (GRCh38, 1-based): chr19:11,027,830, A>T. VCF-style: chr19-11027830-A-T. GRCh37 (hg19) VCF-style: chr19-11138506-A-T.
Other names: c.3262A>T, p.Ile1088Phe (NM_001128844.3, NM_001128845.2, NM_001128846.2 and 6 more transcripts); short protein forms I1088F.
Identifiers: ClinVar variation 3446038 (VCV003446038.1).

ClinVar aggregate classification (germline): Uncertain significance (1 of 4 stars; one submission).

Conditions:
Hereditary cancer-predisposing syndrome. Also called: Tumor predisposition; Neoplastic Syndromes, Hereditary; Hereditary neoplastic syndrome; Hereditary Cancer Syndrome. Identifiers: Orphanet 140162, MedGen C0027672, MeSH D009386, MONDO:0015356.

Submission:

Ambry Genetics
Classification: Uncertain significance for Hereditary cancer-predisposing syndrome. Last evaluated: 2024-12-08. Review status: criteria provided, single submitter. Criteria: Ambry Variant Classification Scheme 2023. Collection method: clinical testing. Allele origin: germline.
Comment: The p.I1088F variant (also known as c.3262A>T), located in coding exon 23 of the SMARCA4 gene, results from an A to T substitution at nucleotide position 3262. The isoleucine at codon 1088 is replaced by phenylalanine, an amino acid with highly similar properties. This amino acid position is conserved. In addition, this alteration is predicted to be deleterious by in silico analysis. Based on the available evidence, the clinical significance of this variant remains unclear.